The following is an entry in ClinVar:

NM_022124.6(CDH23):c.542A>C (p.Asp181Ala)

Gene: CDH23 (cadherin related 23; plus strand). Cytogenetic location: 10q22.1.
Variant type: single nucleotide variant.
Coding change: c.542A>C on transcript NM_022124.6 (MANE Select); coding-DNA position 542, A replaced by C.
Protein change: p.Asp181Ala; replaces aspartic acid 181 with alanine.
Molecular consequence: missense variant.
Genome position (GRCh38, 1-based): chr10:71,566,854, A>C. VCF-style: chr10-71566854-A-C. GRCh37 (hg19) VCF-style: chr10-73326611-A-C.
Other names: c.542A>C, p.Asp181Ala (NM_001171930.2, NM_001171931.2, NM_001171932.2 and 1 more transcripts); short protein forms D181A.
Identifiers: ClinVar variation 2105558 (VCV002105558.4), dbSNP rs1346802659, ClinGen allele CA377112069.

ClinVar aggregate classification (germline): Uncertain significance (1 of 4 stars; one submission).

Submission:

Labcorp Genetics (formerly Invitae), Labcorp
Classification: Uncertain significance. Last evaluated: 2023-06-30. Review status: criteria provided, single submitter. Criteria: Invitae Variant Classification Sherloc (09022015). Collection method: clinical testing. Allele origin: germline.
Comment: In summary, the available evidence is currently insufficient to determine the role of this variant in disease. Therefore, it has been classified as a Variant of Uncertain Significance. Advanced modeling of protein sequence and biophysical properties (such as structural, functional, and spatial information, amino acid conservation, physicochemical variation, residue mobility, and thermodynamic stability) has been performed at Invitae for this missense variant, however the output from this modeling did not meet the statistical confidence thresholds required to predict the impact of this variant on CDH23 protein function. ClinVar contains an entry for this variant (Variation ID: 2105558). This variant has not been reported in the literature in individuals affected with CDH23-related conditions. This variant is not present in population databases (gnomAD no frequency). This sequence change replaces aspartic acid, which is acidic and polar, with alanine, which is neutral and non-polar, at codon 181 of the CDH23 protein (p.Asp181Ala).